The following is an entry in ClinVar:

ClinVar aggregate classification (germline): Uncertain significance (1 of 4 stars; one submission).

Submission:

Labcorp Genetics (formerly Invitae), Labcorp
Classification: Uncertain significance. Last evaluated: 2021-11-02. Review status: criteria provided, single submitter. Criteria: Invitae Variant Classification Sherloc (09022015). Collection method: clinical testing. Allele origin: germline.
Comment: In summary, the available evidence is currently insufficient to determine the role of this variant in disease. Therefore, it has been classified as a Variant of Uncertain Significance. This sequence change replaces proline, which is neutral and non-polar, with histidine, which is basic and polar, at codon 578 of the STIL protein (p.Pro578His). This variant is not present in population databases (gnomAD no frequency). This variant has not been reported in the literature in individuals affected with STIL-related conditions. Algorithms developed to predict the effect of missense changes on protein structure and function (SIFT, PolyPhen-2, Align-GVGD) all suggest that this variant is likely to be tolerated.

NM_001048166.1(STIL):c.1733C>A (p.Pro578His)

Gene: STIL (STIL centriolar assembly protein; minus strand). Cytogenetic location: 1p33.
Variant type: single nucleotide variant.
Coding change: c.1733C>A on transcript NM_001048166.1 (MANE Select); coding-DNA position 1733, C replaced by A.
Protein change: p.Pro578His; replaces proline 578 with histidine.
Molecular consequence: missense variant.
Genome position (GRCh38, 1-based): chr1:47,280,725, G>T on the plus strand (C>A on the coding strand, the complement: STIL is on the minus strand). VCF-style: chr1-47280725-G-T. GRCh37 (hg19) VCF-style: chr1-47746397-G-T.
Other names: c.1733C>A, p.Pro578His (NM_001282936.1, NM_001282937.1, NM_003035.2); c.1592C>A, p.Pro531His (NM_001282938.1, NM_001282939.1, NM_001377417.1); short protein forms P578H, P531H.
Identifiers: ClinVar variation 1381710 (VCV001381710.6), dbSNP rs1280236640, ClinGen allele CA340247489.